The following is an entry in ClinVar:

NM_001385079.1(PDE10A):c.1279G>A (p.Val427Ile)

Gene: PDE10A (phosphodiesterase 10A; minus strand). Cytogenetic location: 6q27.
Variant type: single nucleotide variant.
Coding change: c.1279G>A on transcript NM_001385079.1 (MANE Select); coding-DNA position 1279, G replaced by A.
Protein change: p.Val427Ile; replaces valine 427 with isoleucine.
Molecular consequence: missense variant.
Genome position (GRCh38, 1-based): chr6:165,435,293, C>T on the plus strand (G>A on the coding strand, the complement: PDE10A is on the minus strand). VCF-style: chr6-165435293-C-T. GRCh37 (hg19) VCF-style: chr6-165848781-C-T.
Other names: p.Val161Ile; c.481G>A, p.Val161Ile (NM_001130690.3); c.451G>A, p.Val151Ile (NM_006661.4); c.481G>A (NM_001130690.1, NM_001130690.2); short protein forms V151I, V161I, V427I.
Identifiers: ClinVar variation 1365455 (VCV001365455.12), dbSNP rs370604056, ClinGen allele CA4092454.

ClinVar aggregate classification (germline): Conflicting classifications of pathogenicity. Review status: criteria provided, conflicting classifications (1 of 4 stars). 4 submissions from 4 submitters: Uncertain significance (3); Likely benign (1). Last evaluated 2025-11-18.

Conditions:
Inborn genetic diseases. Identifiers: MedGen C0950123, MeSH D030342.

Allele frequency attached by ClinVar (database versions not stated): gnomAD 0.00001; TOPMed 0.00002; gnomAD exomes 0.00004 and 0.00005; ExAC 0.00006; ESP Exome Variant Server 0.00015.
gnomAD v4.1: 98 of 1,613,932 alleles (0.0061%); highest among the groups gnomAD compares: Middle Eastern, 0.033%; no homozygotes.

Submissions (4):

Labcorp Genetics (formerly Invitae), Labcorp
Classification: Uncertain significance. Last evaluated: 2025-11-18. Review status: criteria provided, single submitter. Criteria: Invitae Variant Classification Sherloc (09022015). Collection method: clinical testing. Allele origin: germline.
Comment: This sequence change replaces valine, which is neutral and non-polar, with isoleucine, which is neutral and non-polar, at codon 161 of the PDE10A protein (p.Val161Ile). This variant is present in population databases (rs370604056, gnomAD 0.006%). This variant has not been reported in the literature in individuals affected with PDE10A-related conditions. ClinVar contains an entry for this variant (Variation ID: 1365455). An algorithm developed to predict the effect of missense changes on protein structure and function outputs the following: PolyPhen-2: "Benign". The isoleucine amino acid residue is found in multiple mammalian species, which suggests that this missense change does not adversely affect protein function. In summary, the available evidence is currently insufficient to determine the role of this variant in disease. Therefore, it has been classified as a Variant of Uncertain Significance.

Mayo Clinic Laboratories, Mayo Clinic
Classification: Uncertain significance. Last evaluated: 2025-05-15. Review status: criteria provided, single submitter. Criteria: ACMG Guidelines, 2015. Collection method: clinical testing. Allele origin: germline. Observed: 1 variant allele.
Comment: BP4_moderate

Revvity Omics, Revvity
Classification: Uncertain significance. Last evaluated: 2023-10-30. Review status: criteria provided, single submitter. Criteria: ACMG Guidelines, 2015. Collection method: clinical testing. Allele origin: germline.

Ambry Genetics
Classification: Likely benign for Inborn genetic diseases. Last evaluated: 2021-08-26. Review status: criteria provided, single submitter. Criteria: Ambry Variant Classification Scheme 2023. Collection method: clinical testing. Allele origin: germline.